The following is an entry in ClinVar:

NM_003079.5(SMARCE1):c.525del (p.Ala176fs)

Gene: SMARCE1 (SWI/SNF related BAF chromatin remodeling complex subunit E1; minus strand). Cytogenetic location: 17q21.2.
Variant type: Deletion.
Coding change: c.525del on transcript NM_003079.5 (MANE Select); coding-DNA position 525, one base deleted (T; older notation c.525delT).
Protein change: p.Ala176fs; shifts the reading frame from alanine 176.
Molecular consequence: frameshift variant.
Genome position (GRCh38, 1-based): chr17:40,635,947, A deleted on the plus strand (T on the coding strand, the reverse complement: SMARCE1 is on the minus strand). VCF-style (leftmost placement, unchanged base first): chr17-40635946-CA-C. GRCh37 (hg19) VCF-style: chr17-38792198-CA-C.
Other names: short protein forms A176fs.
Identifiers: ClinVar variation 239495 (VCV000239495.7), dbSNP rs878854603, ClinGen allele CA10583540.

ClinVar aggregate classification (germline): Pathogenic. Review status: criteria provided, multiple submitters, no conflicts (2 of 4 stars). 2 submissions from 2 submitters: Pathogenic (2). Last evaluated 2026-08-06.

Conditions:
Hereditary cancer-predisposing syndrome. Also called: Tumor predisposition; Neoplastic Syndromes, Hereditary; Hereditary Cancer Syndrome; Hereditary neoplastic syndrome. Identifiers: Orphanet 140162, MedGen C0027672, MeSH D009386, MONDO:0015356.
Familial meningioma. Also called: Meningioma, familial, susceptibility to. Identifiers: Orphanet 263662, MedGen C3551915, MONDO:0011789, OMIM 607174.

Submissions (2):

Ambry Genetics
Classification: Pathogenic for Hereditary cancer-predisposing syndrome. Last evaluated: 2026-08-06. Review status: criteria provided, single submitter. Criteria: Ambry Variant Classification Scheme 2023. Collection method: clinical testing. Allele origin: germline.
Comment: The c.525delT pathogenic mutation, located in coding exon 6 of the SMARCE1 gene, results from a deletion of one nucleotide at nucleotide position 525, causing a translational frameshift with a predicted alternate stop codon (p.A176Lfs*13). This variant was reported in individual(s) with features consistent with SMARCE1-related meningioma susceptibility (Navalkele P et al. J Neuropathol Exp Neurol, 2020 Nov;79:1250-1252; Ambry internal data). This variant is considered to be rare based on population cohorts in the Genome Aggregation Database (gnomAD). This alteration is expected to result in loss of function by premature protein truncation or nonsense-mediated mRNA decay. Loss-of-function variants in SMARCE1 are known to cause increased risk of meningiomas; however, such associations with neurodevelopmental disorders are exceedingly rare (Kosho T et al. Am J Med Genet C Semin Med Genet. 2014 Sep;166C(3):262-75; Smith JM et al. Nat Genet. 2013 Mar;45(3):295-8). Based on the supporting evidence, this variant is pathogenic for an increased risk of meningiomas; however, the association of this variant with Coffin-Siris syndrome is unlikely.

Labcorp Genetics (formerly Invitae), Labcorp
Classification: Pathogenic for Familial meningioma. Last evaluated: 2023-03-18. Review status: criteria provided, single submitter. Criteria: Invitae Variant Classification Sherloc (09022015). Collection method: clinical testing. Allele origin: germline.
Comment: ClinVar contains an entry for this variant (Variation ID: 239495). This variant has not been reported in the literature in individuals affected with SMARCE1-related conditions. This variant is not present in population databases (gnomAD no frequency). This sequence change creates a premature translational stop signal (p.Ala176Leufs*13) in the SMARCE1 gene. It is expected to result in an absent or disrupted protein product. Loss-of-function variants in SMARCE1 are known to be pathogenic (PMID: 23377182). For these reasons, this variant has been classified as Pathogenic.

Literature cited by the submitters: PubMed 33085974 (cited by Ambry Genetics); PubMed 23377182 (cited by Labcorp Genetics (formerly Invitae), Labcorp).